The following is an entry in ClinVar:

ClinVar aggregate classification (germline): Uncertain significance (1 of 4 stars; one submission).

Allele frequency attached by ClinVar (database versions not stated): gnomAD 0.00001; TOPMed 0.00001; ExAC 0.00002; gnomAD exomes 0.00003.
gnomAD v4.1: 44 of 1,613,948 alleles (0.0027%); highest among the groups gnomAD compares: Non-Finnish European, 0.0035%; no homozygotes.

Submission:

CeGaT Center for Human Genetics Tuebingen
Classification: Uncertain significance. Last evaluated: 2022-04-01. Review status: criteria provided, single submitter. Criteria: CeGaT Center For Human Genetics Tuebingen Variant Classification Criteria Version 2. Collection method: clinical testing. Allele origin: germline. Affected: yes. Observed: 1 variant allele.
Comment: SERPINA3: PM2

NM_001085.5(SERPINA3):c.158A>G (p.Asn53Ser)

Gene: SERPINA3 (serpin family A member 3; plus strand). Cytogenetic location: 14q32.13.
Variant type: single nucleotide variant.
Coding change: c.158A>G on transcript NM_001085.5 (MANE Select); coding-DNA position 158, A replaced by G.
Protein change: p.Asn53Ser; replaces asparagine 53 with serine.
Molecular consequence: missense variant.
Genome position (GRCh38, 1-based): chr14:94,614,599, A>G. VCF-style: chr14-94614599-A-G. GRCh37 (hg19) VCF-style: chr14-95080936-A-G.
Other names: c.158A>G, p.Asn53Ser (NM_001384672.1, NM_001384673.1, NM_001384674.1); short protein forms N53S.
Identifiers: ClinVar variation 2644482 (VCV002644482.24), dbSNP rs780159884, ClinGen allele CA7329687.